The following is an entry in ClinVar:

ClinVar aggregate classification (germline): Uncertain significance (1 of 4 stars; one submission).

Conditions:
Very long chain acyl-CoA dehydrogenase deficiency (ACADVLD). Also called: Very Long-Chain Acyl-Coenzyme A Dehydrogenase Deficiency; VLCAD Deficiency. Identifiers: Orphanet 26793, MedGen C3887523, MONDO:0008723, OMIM 201475.

Submission:

Labcorp Genetics (formerly Invitae), Labcorp
Classification: Uncertain significance for Very long chain acyl-CoA dehydrogenase deficiency. Last evaluated: 2022-12-10. Review status: criteria provided, single submitter. Criteria: Invitae Variant Classification Sherloc (09022015). Collection method: clinical testing. Allele origin: germline.
Comment: This variant is not present in population databases (gnomAD no frequency). In summary, the available evidence is currently insufficient to determine the role of this variant in disease. Therefore, it has been classified as a Variant of Uncertain Significance. Advanced modeling of protein sequence and biophysical properties (such as structural, functional, and spatial information, amino acid conservation, physicochemical variation, residue mobility, and thermodynamic stability) performed at Invitae indicates that this missense variant is expected to disrupt ACADVL protein function. This variant has not been reported in the literature in individuals affected with ACADVL-related conditions. This sequence change replaces lysine, which is basic and polar, with glutamic acid, which is acidic and polar, at codon 276 of the ACADVL protein (p.Lys276Glu).

NM_000018.4(ACADVL):c.826A>G (p.Lys276Glu)

Gene: ACADVL (acyl-CoA dehydrogenase very long chain; plus strand). Cytogenetic location: 17p13.1.
Variant type: single nucleotide variant.
Coding change: c.826A>G on transcript NM_000018.4 (MANE Select); coding-DNA position 826, A replaced by G.
Protein change: p.Lys276Glu; replaces lysine 276 with glutamic acid.
Molecular consequence: missense variant.
Genome position (GRCh38, 1-based): chr17:7,222,250, A>G. VCF-style: chr17-7222250-A-G. GRCh37 (hg19) VCF-style: chr17-7125569-A-G.
Other names: c.760A>G, p.Lys254Glu (NM_001033859.3); c.895A>G, p.Lys299Glu (NM_001270447.2); c.598A>G, p.Lys200Glu (NM_001270448.2); short protein forms K299E, K200E, K254E, K276E.
Identifiers: ClinVar variation 2015897 (VCV002015897.3), dbSNP rs2508304817, ClinGen allele CA397723765.